The following is an entry in ClinVar:

NM_001734.5(C1S):c.157T>C (p.Tyr53His)

Gene: C1S (complement C1s; plus strand). Cytogenetic location: 12p13.31.
Variant type: single nucleotide variant.
Coding change: c.157T>C on transcript NM_001734.5 (MANE Select); coding-DNA position 157, T replaced by C.
Protein change: p.Tyr53His; replaces tyrosine 53 with histidine.
Molecular consequence: missense variant. On other transcripts: intron variant (1).
Genome position (GRCh38, 1-based): chr12:7,062,626, T>C. VCF-style: chr12-7062626-T-C. GRCh37 (hg19) VCF-style: chr12-7169930-T-C.
Other names: c.157T>C, p.Tyr53His (NM_201442.4); c.-288-264T>C (NM_001346850.2); short protein forms Y53H.
Identifiers: ClinVar variation 3613876 (VCV003613876.2).
Genomic context (GRCh38, chr12:7,062,626, plus strand): 5'-CCCAGTGAGGTAGAGAAATCTTGGGACATAGAAGTTCCTGAAGGGTATGGGATTCACCTC[T>C]ACTTCACCCATCTGGACATTGAGCTGTCAGAGAACTGTGCGTATGACTCAGTGCAGGTAT-3'
Protein context (NP_001725.1, residues 43-63): EVPEGYGIHL[Tyr53His]FTHLDIELSE

ClinVar aggregate classification (germline): Uncertain significance (1 of 4 stars; one submission).

Submission:

Labcorp Genetics (formerly Invitae), Labcorp
Classification: Uncertain significance. Last evaluated: 2024-04-29. Review status: criteria provided, single submitter. Criteria: Invitae Variant Classification Sherloc (09022015). Collection method: clinical testing. Allele origin: germline.
Comment: This sequence change replaces tyrosine, which is neutral and polar, with histidine, which is basic and polar, at codon 53 of the C1S protein (p.Tyr53His). This variant is not present in population databases (gnomAD no frequency). This variant has not been reported in the literature in individuals affected with C1S-related conditions. Advanced modeling of protein sequence and biophysical properties (such as structural, functional, and spatial information, amino acid conservation, physicochemical variation, residue mobility, and thermodynamic stability) performed at Invitae indicates that this missense variant is not expected to disrupt C1S protein function with a negative predictive value of 80%. In summary, the available evidence is currently insufficient to determine the role of this variant in disease. Therefore, it has been classified as a Variant of Uncertain Significance.